The following is an entry in ClinVar:

NM_002936.6(RNASEH1):c.417C>T (p.Phe139=)

Gene: RNASEH1 (ribonuclease H1; minus strand). Cytogenetic location: 2p25.3.
Variant type: single nucleotide variant.
Coding change: c.417C>T on transcript NM_002936.6 (MANE Select); coding-DNA position 417, C replaced by T.
Protein change: p.Phe139=; no amino-acid change (phenylalanine 139 retained).
Molecular consequence: synonymous variant. On other transcripts: non-coding transcript variant (7).
Genome position (GRCh38, 1-based): chr2:3,550,465, G>A on the plus strand (C>T on the coding strand, the complement: RNASEH1 is on the minus strand). VCF-style: chr2-3550465-G-A. GRCh37 (hg19) VCF-style: chr2-3598055-G-A.
Other names: c.339C>T, p.Phe113= (NM_001286834.3); c.66C>T, p.Phe22= (NM_001286837.3); c.417C>T, p.Phe139= (NM_001378271.1, NM_001378273.1); c.414C>T, p.Phe138= (NM_001378272.1).
Identifiers: ClinVar variation 737414 (VCV000737414.40), dbSNP rs139176330, ClinGen allele CA1516268.
Genomic context (GRCh38, chr2:3,550,465, plus strand): 5'-TCCTGCTCGCGGCCTTCTACGCCCATTACTGGAGCAGCAGCCATCAGTGTAGACGACGAC[G>A]AAGTCTCCTGTGGGAAAAGGAAGTACATGCTGCTGGGCTGACCTTACTAAAAACTGAAAT-3'
Protein context (NP_002927.2, residues 129-149): SRDTFSYMGD[Phe139=]VVVYTDGCCS

ClinVar aggregate classification (germline): Likely benign. Review status: criteria provided, multiple submitters, no conflicts (2 of 4 stars). 4 submissions from 4 submitters: Likely benign (4). Last evaluated 2026-01-30.

Allele frequency attached by ClinVar (database versions not stated): gnomAD 0.00015 and 0.00016; TOPMed 0.00018; gnomAD exomes 0.00025; ExAC 0.00026; 1000 Genomes Project 30x 0.00031; 1000 Genomes Project 0.00040.
gnomAD v4.1: 316 of 1,613,740 alleles (0.02%); highest among the groups gnomAD compares: Middle Eastern, 1.6%; 1 homozygote.

Submissions (4):

Labcorp Genetics (formerly Invitae), Labcorp
Classification: Likely benign. Last evaluated: 2026-01-30. Review status: criteria provided, single submitter. Criteria: Invitae Variant Classification Sherloc (09022015). Collection method: clinical testing. Allele origin: germline.

CeGaT Center for Human Genetics Tuebingen
Classification: Likely benign. Last evaluated: 2024-05-01. Review status: criteria provided, single submitter. Criteria: CeGaT Center For Human Genetics Tuebingen Variant Classification Criteria Version 2. Collection method: clinical testing. Allele origin: germline. Affected: yes. Observed: 3 variant alleles.
Comment: RNASEH1: BP4, BP7

GeneDx
Classification: Likely benign. Last evaluated: 2022-01-13. Review status: criteria provided, single submitter. Criteria: GeneDx Variant Classification Process June 2021. Collection method: clinical testing. Allele origin: germline. Affected: yes.

Breakthrough Genomics
Classification: Likely benign. Review status: criteria provided, single submitter. Criteria: ACMG Guidelines, 2015. Collection method: not provided. Allele origin: germline. Inheritance: Autosomal recessive inheritance. Affected: yes.